The following is an entry in ClinVar:

ClinVar aggregate classification (germline): Uncertain significance (1 of 4 stars; one submission).

Submission:

Labcorp Genetics (formerly Invitae), Labcorp
Classification: Uncertain significance. Last evaluated: 2023-01-18. Review status: criteria provided, single submitter. Criteria: Invitae Variant Classification Sherloc (09022015). Collection method: clinical testing. Allele origin: germline.
Comment: Advanced modeling of protein sequence and biophysical properties (such as structural, functional, and spatial information, amino acid conservation, physicochemical variation, residue mobility, and thermodynamic stability) performed at Invitae indicates that this missense variant is not expected to disrupt HMX1 protein function. This variant has not been reported in the literature in individuals affected with HMX1-related conditions. This variant is not present in population databases (gnomAD no frequency). This sequence change replaces alanine, which is neutral and non-polar, with glycine, which is neutral and non-polar, at codon 114 of the HMX1 protein (p.Ala114Gly). In summary, the available evidence is currently insufficient to determine the role of this variant in disease. Therefore, it has been classified as a Variant of Uncertain Significance.

NM_018942.3(HMX1):c.341C>G (p.Ala114Gly)

Gene: HMX1 (H6 family homeobox 1; minus strand). Cytogenetic location: 4p16.1.
Variant type: single nucleotide variant.
Coding change: c.341C>G on transcript NM_018942.3 (MANE Select); coding-DNA position 341, C replaced by G.
Protein change: p.Ala114Gly; replaces alanine 114 with glycine.
Molecular consequence: missense variant.
Genome position (GRCh38, 1-based): chr4:8,871,274, G>C on the plus strand (C>G on the coding strand, the complement: HMX1 is on the minus strand). VCF-style: chr4-8871274-G-C. GRCh37 (hg19) VCF-style: chr4-8873000-G-C.
Other names: c.341C>G, p.Ala114Gly (NM_001306142.2); short protein forms A114G.
Identifiers: ClinVar variation 1951512 (VCV001951512.5), dbSNP rs1722206868, ClinGen allele CA356278832.
Genomic context (GRCh38, chr4:8,871,274, plus strand): 5'-CACTCACTGTCAGGACTGAGGCCGCCTCCATAGCCACCGTGCGCCCGTGGGTACCAGCGC[G>C]CTGCGCCTCCGCAGCCCAGAGCGAAGGGCGGCCCGGGACCGGGGGGCGGCCGAGGACCGA-3'
Protein context (NP_061815.2, residues 104-124): PPFALGCGGA[Ala114Gly]RWYPRAHGGY